The following is an entry in ClinVar:

ClinVar aggregate classification (germline): Uncertain significance (1 of 4 stars; one submission).

Conditions:
Immunodeficiency 35 (IMD35). Also called: Susceptibility to infection due to TYK2 deficiency; TYK2 DEFICIENCY; HIES WITH ATYPICAL MYCOBACTERIOSIS, AUTOSOMAL RECESSIVE; HYPER-IgE SYNDROME WITH ATYPICAL MYCOBACTERIOSIS, AUTOSOMAL RECESSIVE. Identifiers: Orphanet 331226, MedGen C1969086, MONDO:0012682, OMIM 611521.

Allele frequency attached by ClinVar (database versions not stated): TOPMed below 0.00001; ExAC 0.00001; gnomAD 0.00001.
gnomAD v4.1: 20 of 1,607,660 alleles (0.0012%); highest among the groups gnomAD compares: South Asian, 0.021%; no homozygotes.

Submission:

Labcorp Genetics (formerly Invitae), Labcorp
Classification: Uncertain significance for Immunodeficiency 35. Last evaluated: 2021-07-24. Review status: criteria provided, single submitter. Criteria: Invitae Variant Classification Sherloc (09022015). Collection method: clinical testing. Allele origin: germline.
Comment: This variant has not been reported in the literature in individuals affected with TYK2-related conditions. In summary, the available evidence is currently insufficient to determine the role of this variant in disease. Therefore, it has been classified as a Variant of Uncertain Significance. Algorithms developed to predict the effect of missense changes on protein structure and function are either unavailable or do not agree on the potential impact of this missense change (SIFT: "Not Available"; PolyPhen-2: "Benign"; Align-GVGD: "Not Available"). This variant is present in population databases (rs749003655, ExAC 0.006%). This sequence change replaces valine with glycine at codon 713 of the TYK2 protein (p.Val713Gly). The valine residue is moderately conserved and there is a moderate physicochemical difference between valine and glycine.

NM_003331.5(TYK2):c.2138T>G (p.Val713Gly)

Gene: TYK2 (tyrosine kinase 2; minus strand). Cytogenetic location: 19p13.2.
Variant type: single nucleotide variant.
Coding change: c.2138T>G on transcript NM_003331.5 (MANE Select); coding-DNA position 2138, T replaced by G.
Protein change: p.Val713Gly; replaces valine 713 with glycine.
Molecular consequence: missense variant.
Genome position (GRCh38, 1-based): chr19:10,359,212, A>C on the plus strand (T>G on the coding strand, the complement: TYK2 is on the minus strand). VCF-style: chr19-10359212-A-C. GRCh37 (hg19) VCF-style: chr19-10469888-A-C.
Other names: c.2138T>G, p.Val713Gly (NM_001385197.1, NM_001385198.1, NM_001385200.1 and 2 more transcripts); c.1952T>G, p.Val651Gly (NM_001385199.1); c.1940T>G, p.Val647Gly (NM_001385201.1); c.2054T>G, p.Val685Gly (NM_001385202.1); c.2048T>G, p.Val683Gly (NM_001385205.1); c.2012T>G, p.Val671Gly (NM_001385206.1); c.2120T>G, p.Val707Gly (NM_001385207.1); short protein forms V651G, V683G, V685G, V713G, V647G, V707G, V671G.
Identifiers: ClinVar variation 1464747 (VCV001464747.8), dbSNP rs749003655, ClinGen allele CA9193172.